The following is an entry in ClinVar:

NM_177438.3(DICER1):c.583A>G (p.Asn195Asp)

Gene: DICER1 (dicer 1, ribonuclease III; minus strand). Cytogenetic location: 14q32.13.
Variant type: single nucleotide variant.
Coding change: c.583A>G on transcript NM_177438.3 (MANE Select); coding-DNA position 583, A replaced by G.
Protein change: p.Asn195Asp; replaces asparagine 195 with aspartic acid.
Molecular consequence: missense variant. On other transcripts: 5 prime UTR variant (1), non-coding transcript variant (6).
Genome position (GRCh38, 1-based): chr14:95,129,623, T>C on the plus strand (A>G on the coding strand, the complement: DICER1 is on the minus strand). VCF-style: chr14-95129623-T-C. GRCh37 (hg19) VCF-style: chr14-95595960-T-C.
Other names: c.583A>G, p.Asn195Asp (NM_001195573.1, NM_001271282.3, NM_001291628.2 and 15 more transcripts); c.301A>G, p.Asn101Asp (NM_001395686.1); c.178A>G, p.Asn60Asp (NM_001395687.1, NM_001395688.1, NM_001395689.1 and 3 more transcripts); c.16A>G, p.Asn6Asp (NM_001395691.1); c.-986A>G (NM_001395697.1); short protein forms N195D, N60D, N6D, N101D.
Identifiers: ClinVar variation 1750000 (VCV001750000.2), dbSNP rs770842365, ClinGen allele CA390888289.
Genomic context (GRCh38, chr14:95,129,623, plus strand): 5'-CACATTTCCCATTTAAAATGGAAGCAGTTAGTCCCAAAATGCGAGGACATGATGGACAAT[T>C]TTCACAGAGCTAACATAATAAAAGATACTGACAGTAAAGACTTCATTTTGCAAGGCTATA-3'
Protein context (NP_803187.1, residues 185-205): PYREIMKLCE[Asn195Asp]CPSCPRILGL

ClinVar aggregate classification (germline): Uncertain significance (1 of 4 stars; one submission).

Conditions:
Hereditary cancer-predisposing syndrome. Also called: Hereditary Cancer Syndrome; Hereditary neoplastic syndrome; Neoplastic Syndromes, Hereditary; Tumor predisposition. Identifiers: Orphanet 140162, MedGen C0027672, MeSH D009386, MONDO:0015356.

Submission:

Ambry Genetics
Classification: Uncertain significance for Hereditary cancer-predisposing syndrome. Last evaluated: 2021-06-01. Review status: criteria provided, single submitter. Criteria: Ambry Variant Classification Scheme 2023. Collection method: clinical testing. Allele origin: germline.
Comment: The p.N195D variant (also known as c.583A>G), located in coding exon 5 of the DICER1 gene, results from an A to G substitution at nucleotide position 583. The asparagine at codon 195 is replaced by aspartic acid, an amino acid with highly similar properties. This amino acid position is not well conserved in available vertebrate species. In addition, this alteration is predicted to be tolerated by in silico analysis. Since supporting evidence is limited at this time, the clinical significance of this alteration remains unclear.